The following is an entry in ClinVar:

NM_004984.4(KIF5A):c.1796A>G (p.Lys599Arg)

Gene: KIF5A (kinesin family member 5A; plus strand). Cytogenetic location: 12q13.3.
Variant type: single nucleotide variant.
Coding change: c.1796A>G on transcript NM_004984.4 (MANE Select); coding-DNA position 1796, A replaced by G.
Protein change: p.Lys599Arg; replaces lysine 599 with arginine.
Molecular consequence: missense variant.
Genome position (GRCh38, 1-based): chr12:57,575,163, A>G. VCF-style: chr12-57575163-A-G. GRCh37 (hg19) VCF-style: chr12-57968946-A-G.
Other names: c.1529A>G, p.Lys510Arg (NM_001354705.2); short protein forms K599R, K510R.
Identifiers: ClinVar variation 1363538 (VCV001363538.8), dbSNP rs1471037370, ClinGen allele CA385509038.
Genomic context (GRCh38, chr12:57,575,163, plus strand): 5'-CCATCGAGGAGGAGTTCACTGTGGCCCGACTCTACATCAGCAAAATCAAATCAGAAGTCA[A>G]GTCTGTGGTCAAGCGGTGCCGGCAGCTGGAGAACCTCCAGGTGGAGTGTCACCGCAAGAT-3'
Protein context (NP_004975.2, residues 589-609): LYISKIKSEV[Lys599Arg]SVVKRCRQLE

ClinVar aggregate classification (germline): Uncertain significance (1 of 4 stars; one submission).

Conditions:
Spastic paraplegia. Identifiers: MedGen C0037772, HP:0001258.

Allele frequency attached by ClinVar (database versions not stated): gnomAD exomes below 0.00001; TOPMed 0.00001; gnomAD 0.00002.
gnomAD v4.1: 4 of 1,613,922 alleles (0.00025%); highest among the groups gnomAD compares: Admixed American, 0.0067%; no homozygotes.

Submission:

Labcorp Genetics (formerly Invitae), Labcorp
Classification: Uncertain significance for Spastic paraplegia. Last evaluated: 2021-06-24. Review status: criteria provided, single submitter. Criteria: Invitae Variant Classification Sherloc (09022015). Collection method: clinical testing. Allele origin: germline.
Comment: This sequence change replaces lysine with arginine at codon 599 of the KIF5A protein (p.Lys599Arg). The lysine residue is highly conserved and there is a small physicochemical difference between lysine and arginine. This variant is not present in population databases (ExAC no frequency). This variant has not been reported in the literature in individuals with KIF5A-related conditions. Advanced modeling of protein sequence and biophysical properties (such as structural, functional, and spatial information, amino acid conservation, physicochemical variation, residue mobility, and thermodynamic stability) performed at Invitae indicates that this missense variant is not expected to disrupt KIF5A protein function. In summary, the available evidence is currently insufficient to determine the role of this variant in disease. Therefore, it has been classified as a Variant of Uncertain Significance.